The following is an entry in ClinVar:

NM_001999.4(FBN2):c.4795G>A (p.Val1599Met)

Gene: FBN2 (fibrillin 2; minus strand). Cytogenetic location: 5q23.3.
Variant type: single nucleotide variant.
Coding change: c.4795G>A on transcript NM_001999.4 (MANE Select); coding-DNA position 4795, G replaced by A.
Protein change: p.Val1599Met; replaces valine 1599 with methionine.
Molecular consequence: missense variant.
Genome position (GRCh38, 1-based): chr5:128,312,718, C>T on the plus strand (G>A on the coding strand, the complement: FBN2 is on the minus strand). VCF-style: chr5-128312718-C-T. GRCh37 (hg19) VCF-style: chr5-127648410-C-T.
Other names: short protein forms V1599M.
Identifiers: ClinVar variation 5021629 (VCV005021629.1).

ClinVar aggregate classification (germline): Uncertain significance (1 of 4 stars; one submission).

Conditions:
Familial thoracic aortic aneurysm and aortic dissection (TAAD). Also called: Thoracic aortic aneurysms and dissections. Identifiers: Orphanet 91387, MedGen C4707243, MONDO:0019625.

gnomAD v4.1: 3 of 1,614,066 alleles (0.00019%); highest among the groups gnomAD compares: Non-Finnish European, 0.00025%; no homozygotes.

Submission:

Ambry Genetics
Classification: Uncertain significance for Familial thoracic aortic aneurysm and aortic dissection. Last evaluated: 2026-07-21. Review status: criteria provided, single submitter. Criteria: Ambry Variant Classification Scheme 2023. Collection method: clinical testing. Allele origin: germline.
Comment: The p.V1599M variant (also known as c.4795G>A), located in coding exon 37 of the FBN2 gene, results from a G to A substitution at nucleotide position 4795. The valine at codon 1599 is replaced by methionine, an amino acid with highly similar properties. This amino acid position is conserved. In addition, the in silico prediction for this alteration is inconclusive. Based on the available evidence, the clinical significance of this variant remains unclear.